The following is an entry in ClinVar:

ClinVar aggregate classification (germline): Likely benign. Review status: criteria provided, single submitter (1 of 4 stars). 2 submissions from 2 submitters: Likely benign (1). 1 of the submissions does not count toward it.

Conditions:
PLXNA4-related disorder. Also called: PLXNA4-related condition.

Allele frequency attached by ClinVar (database versions not stated): 1000 Genomes Project 0.00020; 1000 Genomes Project 30x 0.00031; ESP Exome Variant Server 0.00032; gnomAD exomes 0.00042.
gnomAD v4.1: 653 of 1,614,170 alleles (0.04%); highest among the groups gnomAD compares: Non-Finnish European, 0.05%; no homozygotes.

Submissions (2):

Breakthrough Genomics
Classification: Likely benign. Review status: criteria provided, single submitter. Criteria: ACMG Guidelines, 2015. Collection method: not provided. Allele origin: germline. Inheritance: Unknown mechanism. Affected: yes.

PreventionGenetics, part of Exact Sciences
Classification: Likely benign for PLXNA4-related condition. Last evaluated: 2021-06-30. Review status: no assertion criteria provided. Collection method: clinical testing. Allele origin: germline. Not counted in ClinVar's aggregate classification.
Comment: This variant is classified as likely benign based on ACMG/AMP sequence variant interpretation guidelines (Richards et al. 2015 PMID: 25741868, with internal and published modifications).

NM_020911.2(PLXNA4):c.3528C>T (p.Asn1176=)

Gene: PLXNA4 (plexin A4; minus strand). Cytogenetic location: 7q32.3.
Variant type: single nucleotide variant.
Coding change: c.3528C>T on transcript NM_020911.2 (MANE Select); coding-DNA position 3528, C replaced by T.
Protein change: p.Asn1176=; no amino-acid change (asparagine 1176 retained).
Molecular consequence: synonymous variant.
Genome position (GRCh38, 1-based): chr7:132,180,697, G>A on the plus strand (C>T on the coding strand, the complement: PLXNA4 is on the minus strand). VCF-style: chr7-132180697-G-A. GRCh37 (hg19) VCF-style: chr7-131865456-G-A.
Other names: c.3528C>T, p.Asn1176= (NM_001393897.1).
Identifiers: ClinVar variation 3038704 (VCV003038704.3), dbSNP rs201842720, ClinGen allele CA4489464.